The following is an entry in ClinVar:

ClinVar aggregate classification (germline): Uncertain significance (1 of 4 stars; one submission).

gnomAD v4.1: 1 of 1,611,214 alleles (0.000062%); highest among the groups gnomAD compares: East Asian, 0.0022%; no homozygotes.

Submission:

Labcorp Genetics (formerly Invitae), Labcorp
Classification: Uncertain significance. Last evaluated: 2023-09-20. Review status: criteria provided, single submitter. Criteria: Invitae Variant Classification Sherloc (09022015). Collection method: clinical testing. Allele origin: germline.
Comment: In summary, the available evidence is currently insufficient to determine the role of this variant in disease. Therefore, it has been classified as a Variant of Uncertain Significance. Algorithms developed to predict the effect of sequence changes on RNA splicing suggest that this variant may create or strengthen a splice site. This variant has not been reported in the literature in individuals affected with TUB-related conditions. The frequency data for this variant in the population databases is considered unreliable, as metrics indicate poor data quality at this position in the gnomAD database. This sequence change affects codon 388 of the TUB mRNA. It is a 'silent' change, meaning that it does not change the encoded amino acid sequence of the TUB protein. It affects a nucleotide within the consensus splice site.

NM_177972.3(TUB):c.997C>A (p.Arg333=)

Genes: RIC3 (RIC3 acetylcholine receptor chaperone; minus strand), TUB (TUB bipartite transcription factor; plus strand). Cytogenetic location: 11p15.4.
Variant type: single nucleotide variant.
Coding change: c.997C>A on transcript NM_177972.3 (MANE Select); coding-DNA position 997, C replaced by A.
Protein change: p.Arg333=; no amino-acid change (arginine 333 retained).
Molecular consequence: synonymous variant.
Genome position (GRCh38, 1-based): chr11:8,097,825, C>A. VCF-style: chr11-8097825-C-A. GRCh37 (hg19) VCF-style: chr11-8119372-C-A.
Other names: c.1162C>A, p.Arg388= (NM_003320.5).
Identifiers: ClinVar variation 2760107 (VCV002760107.3), dbSNP rs780917279, ClinGen allele CA5871289.